The following is an entry in ClinVar:

ClinVar aggregate classification (germline): Uncertain significance (1 of 4 stars; one submission).

Conditions:
Familial cancer of breast. Also called: Hereditary breast cancer; hereditary breast carcinoma; BREAST CANCER, FAMILIAL. Identifiers: Orphanet 227535, MedGen C0346153, MONDO:0016419, OMIM 114480. Disease mechanism: loss of function.

Submission:

Labcorp Genetics (formerly Invitae), Labcorp
Classification: Uncertain significance for Familial cancer of breast. Last evaluated: 2024-07-08. Review status: criteria provided, single submitter. Criteria: Invitae Variant Classification Sherloc (09022015). Collection method: clinical testing. Allele origin: germline.
Comment: This sequence change replaces isoleucine, which is neutral and non-polar, with phenylalanine, which is neutral and non-polar, at codon 437 of the BARD1 protein (p.Ile437Phe). This variant is not present in population databases (gnomAD no frequency). This variant has not been reported in the literature in individuals affected with BARD1-related conditions. An algorithm developed to predict the effect of missense changes on protein structure and function (PolyPhen-2) suggests that this variant is likely to be disruptive. In summary, the available evidence is currently insufficient to determine the role of this variant in disease. Therefore, it has been classified as a Variant of Uncertain Significance.

NM_000465.4(BARD1):c.1309A>T (p.Ile437Phe)

Gene: BARD1 (BRCA1 associated RING domain 1; minus strand). Cytogenetic location: 2q35.
Variant type: single nucleotide variant.
Coding change: c.1309A>T on transcript NM_000465.4 (MANE Select); coding-DNA position 1309, A replaced by T.
Protein change: p.Ile437Phe; replaces isoleucine 437 with phenylalanine.
Molecular consequence: missense variant. On other transcripts: non-coding transcript variant (2), intron variant (3).
Genome position (GRCh38, 1-based): chr2:214,780,565, T>A on the plus strand (A>T on the coding strand, the complement: BARD1 is on the minus strand). VCF-style: chr2-214780565-T-A. GRCh37 (hg19) VCF-style: chr2-215645289-T-A.
Other names: c.1252A>T, p.Ile418Phe (NM_001282543.2); c.159-28010A>T (NM_001282548.2); c.215+16496A>T (NM_001282545.2); c.364+11732A>T (NM_001282549.2); short protein forms I418F, I437F.
Identifiers: ClinVar variation 3620787 (VCV003620787.2).
Genomic context (GRCh38, chr2:214,780,565, plus strand): 5'-AATTGCTTTATAGTTGGCCTCATTCTGAGATGGTATTTCAGAGTAAGCATCCTACCTTAA[T>A]AGAAGCAATATGGAGCAAAGTCTCTCCTCTATGATTTCTTTTCACAGCCATATTGGGCAA-3'
Protein context (NP_000456.2, residues 427-447): RGETLLHIAS[Ile437Phe]KGDIPSVEYL